The following is an entry in ClinVar:

ClinVar aggregate classification (germline): Likely pathogenic (1 of 4 stars; one submission).

Submission:

Dasa
Classification: Likely pathogenic. Last evaluated: 2025-01-02. Review status: criteria provided, single submitter. Criteria: DASA Assertion Criteria. Collection method: clinical testing. Allele origin: germline.
Comment: NM_015100.4(POGZ):c.3594dup (p.Tyr1199Leufs*3) is a frameshift variant in POGZ predicted to alter the reading frame and introduce a premature termination codon and is predicted to result in an absent or altered protein product. Loss of function is an established disease mechanism for POGZ (PMID: 27148570; PMID: 26942287; PMID: 26739615). Also, this variant is absent from population databases. Based on the currently available evidence, this variant is classified as likely pathogenic.

Literature cited by the submitters: PubMed 27148570; PubMed 26942287; PubMed 26739615.

NM_015100.4(POGZ):c.3594dup (p.Tyr1199fs)

Gene: POGZ (pogo transposable element derived with ZNF domain; minus strand). Cytogenetic location: 1q21.3.
Variant type: Duplication.
Coding change: c.3594dup on transcript NM_015100.4 (MANE Select); coding-DNA position 3594, one base duplicated (C; older notation c.3594dupC).
Protein change: p.Tyr1199fs; shifts the reading frame from tyrosine 1199.
Molecular consequence: frameshift variant.
Genome position (GRCh38, 1-based): chr1:151,405,441, G duplicated on the plus strand (C on the coding strand, the reverse complement: POGZ is on the minus strand). VCF-style (leftmost placement, unchanged base first): chr1-151405440-A-AG. GRCh37 (hg19) VCF-style: chr1-151377916-A-AG.
Other names: c.3435dup, p.Tyr1146fs (NM_207171.2); c.3567dup, p.Tyr1190fs (NM_001194937.2); c.3408dup, p.Tyr1137fs (NM_001194938.2); c.3615dup, p.Tyr1206fs (NM_001410860.1); c.3309dup, p.Tyr1104fs (NM_145796.4); short protein forms Y1104fs, Y1137fs, Y1146fs, Y1190fs, Y1199fs, Y1206fs.
Identifiers: ClinVar variation 4880522 (VCV004880522.2).